The following is an entry in ClinVar:

ClinVar aggregate classification (germline): Uncertain significance (1 of 4 stars; one submission).

Conditions:
Charcot-Marie-Tooth disease axonal type 2O. Also called: Charcot-Marie-Tooth disease, axonal, type 20; CHARCOT-MARIE-TOOTH NEUROPATHY, AXONAL, TYPE 2O; CHARCOT-MARIE-TOOTH DISEASE, AXONAL, AUTOSOMAL DOMINANT, TYPE 2O; Charcot-Marie-Tooth Neuropathy Type 2O. Identifiers: Orphanet 284232, MedGen C3280220, MONDO:0013644, OMIM 614228.

Submission:

Labcorp Genetics (formerly Invitae), Labcorp
Classification: Uncertain significance for Charcot-Marie-Tooth disease axonal type 2O. Last evaluated: 2024-02-29. Review status: criteria provided, single submitter. Criteria: Invitae Variant Classification Sherloc (09022015). Collection method: clinical testing. Allele origin: germline.
Comment: This sequence change replaces leucine, which is neutral and non-polar, with valine, which is neutral and non-polar, at codon 3615 of the DYNC1H1 protein (p.Leu3615Val). This variant is not present in population databases (gnomAD no frequency). This variant has not been reported in the literature in individuals affected with DYNC1H1-related conditions. Advanced modeling of protein sequence and biophysical properties (such as structural, functional, and spatial information, amino acid conservation, physicochemical variation, residue mobility, and thermodynamic stability) performed at Invitae indicates that this missense variant is not expected to disrupt DYNC1H1 protein function with a negative predictive value of 95%. In summary, the available evidence is currently insufficient to determine the role of this variant in disease. Therefore, it has been classified as a Variant of Uncertain Significance.

NM_001376.5(DYNC1H1):c.10843C>G (p.Leu3615Val)

Gene: DYNC1H1 (dynein cytoplasmic 1 heavy chain 1; plus strand). Cytogenetic location: 14q32.31.
Variant type: single nucleotide variant.
Coding change: c.10843C>G on transcript NM_001376.5 (MANE Select); coding-DNA position 10843, C replaced by G.
Protein change: p.Leu3615Val; replaces leucine 3615 with valine.
Molecular consequence: missense variant.
Genome position (GRCh38, 1-based): chr14:102,036,577, C>G. VCF-style: chr14-102036577-C-G. GRCh37 (hg19) VCF-style: chr14-102502914-C-G.
Other names: short protein forms L3615V.
Identifiers: ClinVar variation 2701445 (VCV002701445.3), dbSNP rs886050374, ClinGen allele CA391029875.